The following is an entry in ClinVar:

NM_053025.4(MYLK):c.4567C>A (p.Gln1523Lys)

Gene: MYLK (myosin light chain kinase; minus strand). Cytogenetic location: 3q21.1.
Variant type: single nucleotide variant.
Coding change: c.4567C>A on transcript NM_053025.4 (MANE Select); coding-DNA position 4567, C replaced by A.
Protein change: p.Gln1523Lys; replaces glutamine 1523 with lysine.
Molecular consequence: missense variant.
Genome position (GRCh38, 1-based): chr3:123,647,276, G>T on the plus strand (C>A on the coding strand, the complement: MYLK is on the minus strand). VCF-style: chr3-123647276-G-T. GRCh37 (hg19) VCF-style: chr3-123366123-G-T.
Other names: c.4039C>A, p.Gln1347Lys (NM_001321309.2); c.4360C>A, p.Gln1454Lys (NM_053026.4, NM_053028.4); c.4567C>A, p.Gln1523Lys (NM_053027.4); short protein forms Q1347K, Q1454K, Q1523K.
Identifiers: ClinVar variation 650041 (VCV000650041.11), dbSNP rs1576422561, ClinGen allele CA354227058.
Genomic context (GRCh38, chr3:123,647,276, plus strand): 5'-CCACTCACATCTCCAGGACCATGACGATGTTGGCCTTTTCTTCAAAGGCATCCACACACT[G>T]GACCAGCTTAGGGTGGTGGAGGCAGTTCATGATGCTAATCTCCTGCCGGATATTCTCTTT-3'
Protein context (NP_444253.3, residues 1513-1533): MNCLHHPKLV[Gln1523Lys]CVDAFEEKAN

ClinVar aggregate classification (germline): Uncertain significance. Review status: criteria provided, multiple submitters, no conflicts (2 of 4 stars). 2 submissions from 2 submitters: Uncertain significance (2). Last evaluated 2025-11-24.

Conditions:
Aortic aneurysm, familial thoracic 7 (AAT7). Also called: AORTIC DISSECTION, FAMILIAL, WITH OR WITHOUT AORTIC ANEURYSM. Identifiers: MedGen C3151077, MONDO:0013418, OMIM 613780.
Familial thoracic aortic aneurysm and aortic dissection (TAAD). Also called: Thoracic aortic aneurysms and dissections. Identifiers: Orphanet 91387, MedGen C4707243, MONDO:0019625.

Allele frequency attached by ClinVar (database versions not stated): gnomAD exomes below 0.00001.

Submissions (2):

Ambry Genetics
Classification: Uncertain significance for Familial thoracic aortic aneurysm and aortic dissection. Last evaluated: 2025-11-24. Review status: criteria provided, single submitter. Criteria: Ambry Variant Classification Scheme 2023. Collection method: clinical testing. Allele origin: germline.
Comment: The p.Q1523K variant (also known as c.4567C>A), located in coding exon 24 of the MYLK gene, results from a C to A substitution at nucleotide position 4567. The glutamine at codon 1523 is replaced by lysine, an amino acid with similar properties. This amino acid position is conserved. In addition, the in silico prediction for this alteration is inconclusive. Based on the available evidence, the clinical significance of this variant remains unclear.

Labcorp Genetics (formerly Invitae), Labcorp
Classification: Uncertain significance for Aortic aneurysm, familial thoracic 7. Last evaluated: 2019-03-12. Review status: criteria provided, single submitter. Criteria: Invitae Variant Classification Sherloc (09022015). Collection method: clinical testing. Allele origin: germline.
Comment: In summary, the available evidence is currently insufficient to determine the role of this variant in disease. Therefore, it has been classified as a Variant of Uncertain Significance. Algorithms developed to predict the effect of missense changes on protein structure and function are either unavailable or do not agree on the potential impact of this missense change (SIFT: "Deleterious"; PolyPhen-2: "Possibly Damaging"; Align-GVGD: "Class C0"). This variant has not been reported in the literature in individuals with MYLK-related conditions. This variant is not present in population databases (ExAC no frequency). This sequence change replaces glutamine with lysine at codon 1523 of the MYLK protein (p.Gln1523Lys). The glutamine residue is highly conserved and there is a small physicochemical difference between glutamine and lysine.